The following is an entry in ClinVar:

ClinVar aggregate classification (germline): Likely pathogenic (1 of 4 stars; one submission).

Conditions:
Marfan syndrome (MFS). Also called: MARFAN SYNDROME, TYPE I; Marfan syndrome type 1; Marfan's syndrome; Marfan syndrome, classic; FBN1-Related Marfan Syndrome. Identifiers: Orphanet 284963, Orphanet 558, MedGen C0024796, MONDO:0007947, OMIM 154700.
Familial thoracic aortic aneurysm and aortic dissection (TAAD). Also called: Thoracic aortic aneurysms and dissections. Identifiers: Orphanet 91387, MedGen C4707243, MONDO:0019625.

Submission:

Labcorp Genetics (formerly Invitae), Labcorp
Classification: Likely pathogenic for Marfan syndrome; Familial thoracic aortic aneurysm and aortic dissection. Last evaluated: 2023-06-04. Review status: criteria provided, single submitter. Criteria: Invitae Variant Classification Sherloc (09022015). Collection method: clinical testing. Allele origin: germline.
Comment: This sequence change affects an acceptor splice site in intron 33 of the FBN1 gene. It is expected to disrupt RNA splicing. Variants that disrupt the donor or acceptor splice site typically lead to a loss of protein function (PMID: 16199547), and loss-of-function variants in FBN1 are known to be pathogenic (PMID: 17657824, 19293843). This variant is not present in population databases (gnomAD no frequency). In summary, the currently available evidence indicates that the variant is pathogenic, but additional data are needed to prove that conclusively. Therefore, this variant has been classified as Likely Pathogenic. Algorithms developed to predict the effect of sequence changes on RNA splicing suggest that this variant may disrupt the consensus splice site. Disruption of this splice site has been observed in individual(s) with clinical features of FBN1-related conditions (Invitae).

Literature cited by the submitters: PubMed 16199547; PubMed 17657824; PubMed 19293843.

NM_000138.5(FBN1):c.4088-2A>G

Gene: FBN1 (fibrillin 1; minus strand). Cytogenetic location: 15q21.1.
Variant type: single nucleotide variant.
Coding change: c.4088-2A>G on transcript NM_000138.5 (MANE Select); the canonical splice acceptor site of the intron before coding-DNA position 4088, A replaced by G.
Molecular consequence: splice acceptor variant.
Genome position (GRCh38, 1-based): chr15:48,474,379, T>C on the plus strand (A>G on the coding strand, the complement: FBN1 is on the minus strand). VCF-style: chr15-48474379-T-C. GRCh37 (hg19) VCF-style: chr15-48766576-T-C.
Other names: c.4088-2A>G (NM_001406716.1).
Identifiers: ClinVar variation 2948532 (VCV002948532.3), dbSNP rs1555397671, ClinGen allele CA392320387.
Genomic context (GRCh38, chr15:48,474,379, plus strand): 5'-ATTCTTGCAGTCTGCATGCTGGCTGCACATATGGGTTCCATTGGAACATTCGTCCAGATC[T>C]TATAGAAAAAGGTTATATCATTATTAACAGAAAGGGTGGTATTTAAAACCAATAATACAC-3'